The following is an entry in ClinVar:

NM_001009944.3(PKD1):c.2985_2985+3del

Gene: PKD1 (polycystin 1, transient receptor potential channel interacting; minus strand). Cytogenetic location: 16p13.3.
Variant type: Deletion.
Coding change: c.2985_2985+3del on transcript NM_001009944.3 (MANE Select); coding-DNA position 2985 through 3 bases into the intron after coding-DNA position 2985, 4 bases deleted (AGTA; older notation c.2985_2985+3delAGTA).
Molecular consequence: splice donor variant.
Genome position (GRCh38, 1-based): chr16:2,113,158-2,113,161, TACT deleted on the plus strand (AGTA on the coding strand, the reverse complement: PKD1 is on the minus strand). VCF-style (leftmost placement, unchanged base first): chr16-2113157-CTACT-C. GRCh37 (hg19) VCF-style: chr16-2163158-CTACT-C.
Other names: c.2985_2985+3del (NM_000296.4).
Identifiers: ClinVar variation 2632536 (VCV002632536.4), dbSNP rs1382386686, ClinGen allele CA620705811.

ClinVar aggregate classification (germline): Uncertain significance. Review status: criteria provided, single submitter (1 of 4 stars). 2 submissions from 2 submitters: Uncertain significance (1). 1 of the submissions does not count toward it. Last evaluated 2024-11-21.

Conditions:
PKD1-related disorder. Also called: PKD1-related condition.
Polycystic kidney disease, adult type (PKD1). Also called: POLYCYSTIC KIDNEY DISEASE 1 WITH OR WITHOUT POLYCYSTIC LIVER DISEASE; Polycystic Kidney Disease 1, Autosomal Dominant; Polycystic kidney disease 1; Polycystic kidney disease 1, severe; Polycystic Kidney, Autosomal Dominant; POLYCYSTIC KIDNEY DISEASE, ADULT, TYPE I. Identifiers: MedGen C3149841, MONDO:0008263, OMIM 173900.

Allele frequency attached by ClinVar (database versions not stated): TOPMed below 0.00001.

Submissions (2):

Department of Pathology and Laboratory Medicine, Sinai Health System
Classification: Uncertain significance for Polycystic kidney disease, adult type. Last evaluated: 2024-11-21. Review status: criteria provided, single submitter. Criteria: ACMG Guidelines, 2015. Collection method: clinical testing. Allele origin: germline.

PreventionGenetics, part of Exact Sciences
Classification: Uncertain significance for PKD1-related condition. Last evaluated: 2024-02-19. Review status: no assertion criteria provided. Collection method: clinical testing. Allele origin: germline. Not counted in ClinVar's aggregate classification.
Comment: The PKD1 c.2985_2985+3delAGTA variant is predicted to result in a deletion affecting a canonical splice site. This deletion overlaps the exon/intron boundary. However, the impact of this variant on splicing is uncertain as splicing prediction programs show this variant may result in a single base substitution resulting in a synonymous variant (Alamut Visual v1.6.1). Although, such computer prediction programs are imperfect. To our knowledge, this variant has not been reported in the literature. This variant is reported in 0.0023% of alleles in individuals of European (Non-Finnish) descent in gnomAD. Although we suspect that this variant may be pathogenic, at this time, the clinical significance of this variant is uncertain due to the absence of conclusive functional and genetic evidence.